The following is an entry in ClinVar:

ClinVar aggregate classification (germline): Uncertain significance (1 of 4 stars; one submission).

gnomAD v4.1: 17 of 1,551,046 alleles (0.0011%); highest among the groups gnomAD compares: Admixed American, 0.002%; no homozygotes.

Submission:

Labcorp Genetics (formerly Invitae), Labcorp
Classification: Uncertain significance. Last evaluated: 2026-01-19. Review status: criteria provided, single submitter. Criteria: Invitae Variant Classification Sherloc (09022015). Collection method: clinical testing. Allele origin: germline.
Comment: This sequence change replaces asparagine, which is neutral and polar, with serine, which is neutral and polar, at codon 618 of the ZSWIM6 protein (p.Asn618Ser). This variant is present in population databases (no rsID available, gnomAD no frequency). This variant has not been reported in the literature in individuals affected with ZSWIM6-related conditions. Invitae Evidence Modeling of protein sequence and biophysical properties (such as structural, functional, and spatial information, amino acid conservation, physicochemical variation, residue mobility, and thermodynamic stability) indicates that this missense variant is not expected to disrupt ZSWIM6 protein function with a negative predictive value of 80%. In summary, the available evidence is currently insufficient to determine the role of this variant in disease. Therefore, it has been classified as a Variant of Uncertain Significance.

NM_020928.2(ZSWIM6):c.1853A>G (p.Asn618Ser)

Gene: ZSWIM6 (zinc finger SWIM-type containing 6; plus strand). Cytogenetic location: 5q12.1.
Variant type: single nucleotide variant.
Coding change: c.1853A>G on transcript NM_020928.2 (MANE Select); coding-DNA position 1853, A replaced by G.
Protein change: p.Asn618Ser; replaces asparagine 618 with serine.
Molecular consequence: missense variant.
Genome position (GRCh38, 1-based): chr5:61,530,067, A>G. VCF-style: chr5-61530067-A-G. GRCh37 (hg19) VCF-style: chr5-60825894-A-G.
Other names: short protein forms N618S.
Identifiers: ClinVar variation 4697608 (VCV004697608.1).